The following is an entry in ClinVar:

ClinVar aggregate classification (germline): Uncertain significance (1 of 4 stars; one submission).

Allele frequency attached by ClinVar (database versions not stated): ExAC 0.00001; TOPMed 0.00001.
gnomAD v4.1: 2 of 1,614,130 alleles (0.00012%); highest among the groups gnomAD compares: African/African-American, 0.0027%; no homozygotes.

Submission:

Labcorp Genetics (formerly Invitae), Labcorp
Classification: Uncertain significance. Last evaluated: 2023-04-06. Review status: criteria provided, single submitter. Criteria: Invitae Variant Classification Sherloc (09022015). Collection method: clinical testing. Allele origin: germline.
Comment: In summary, the available evidence is currently insufficient to determine the role of this variant in disease. Therefore, it has been classified as a Variant of Uncertain Significance. This sequence change replaces proline, which is neutral and non-polar, with threonine, which is neutral and polar, at codon 292 of the KIF20A protein (p.Pro292Thr). This variant is present in population databases (rs769566391, gnomAD 0.007%). This variant has not been reported in the literature in individuals affected with KIF20A-related conditions. ClinVar contains an entry for this variant (Variation ID: 1918955). An algorithm developed to predict the effect of missense changes on protein structure and function (PolyPhen-2) suggests that this variant is likely to be tolerated.

NM_005733.3(KIF20A):c.874C>A (p.Pro292Thr)

Gene: KIF20A (kinesin family member 20A; plus strand). Cytogenetic location: 5q31.2.
Variant type: single nucleotide variant.
Coding change: c.874C>A on transcript NM_005733.3 (MANE Select); coding-DNA position 874, C replaced by A.
Protein change: p.Pro292Thr; replaces proline 292 with threonine.
Molecular consequence: missense variant.
Genome position (GRCh38, 1-based): chr5:138,183,210, C>A. VCF-style: chr5-138183210-C-A. GRCh37 (hg19) VCF-style: chr5-137518899-C-A.
Other names: short protein forms P292T.
Identifiers: ClinVar variation 1918955 (VCV001918955.5), dbSNP rs769566391, ClinGen allele CA3426434.